The following is an entry in ClinVar:

ClinVar aggregate classification (germline): Uncertain significance. Review status: criteria provided, multiple submitters, no conflicts (2 of 4 stars). 2 submissions from 2 submitters: Uncertain significance (2). Last evaluated 2024-10-13.

Conditions:
Multiple congenital exostosis (EXT). Also called: Hereditary multiple exostoses; Hereditary multiple exostosis; MULTIPLE CARTILAGINOUS EXOSTOSES; Multiple osteochondromas; Hereditary multiple osteochondromas; Multiple exostoses. Identifiers: Orphanet 321, MedGen C0015306, MONDO:0005508, HP:0002762.
Chondrosarcoma. Also called: Chondrosarcoma, somatic. Identifiers: Orphanet 55880, MedGen C0008479, MONDO:0008977, OMIM 215300, HP:0006765.

gnomAD v4.1: 3 of 1,613,952 alleles (0.00019%); highest among the groups gnomAD compares: Non-Finnish European, 0.00017%; no homozygotes.

Submissions (2):

Labcorp Genetics (formerly Invitae), Labcorp
Classification: Uncertain significance for Multiple congenital exostosis. Last evaluated: 2024-10-13. Review status: criteria provided, single submitter. Criteria: Invitae Variant Classification Sherloc (09022015). Collection method: clinical testing. Allele origin: germline.
Comment: This sequence change replaces phenylalanine, which is neutral and non-polar, with leucine, which is neutral and non-polar, at codon 333 of the EXT1 protein (p.Phe333Leu). This variant is not present in population databases (gnomAD no frequency). This variant has not been reported in the literature in individuals affected with EXT1-related conditions. Invitae Evidence Modeling of protein sequence and biophysical properties (such as structural, functional, and spatial information, amino acid conservation, physicochemical variation, residue mobility, and thermodynamic stability) indicates that this missense variant is expected to disrupt EXT1 protein function with a positive predictive value of 80%. In summary, the available evidence is currently insufficient to determine the role of this variant in disease. Therefore, it has been classified as a Variant of Uncertain Significance.

Baylor Genetics
Classification: Uncertain significance for Chondrosarcoma. Last evaluated: 2024-03-20. Review status: criteria provided, single submitter. Criteria: ACMG Guidelines, 2015. Collection method: clinical testing. Allele origin: unknown.

NM_000127.3(EXT1):c.999C>A (p.Phe333Leu)

Gene: EXT1 (exostosin glycosyltransferase 1; minus strand). Cytogenetic location: 8q24.11.
Variant type: single nucleotide variant.
Coding change: c.999C>A on transcript NM_000127.3 (MANE Select); coding-DNA position 999, C replaced by A.
Protein change: p.Phe333Leu; replaces phenylalanine 333 with leucine.
Molecular consequence: missense variant.
Genome position (GRCh38, 1-based): chr8:117,837,165, G>T on the plus strand (C>A on the coding strand, the complement: EXT1 is on the minus strand). VCF-style: chr8-117837165-G-T. GRCh37 (hg19) VCF-style: chr8-118849404-G-T.
Other names: short protein forms F333L.
Identifiers: ClinVar variation 2885261 (VCV002885261.4), dbSNP rs201458269, ClinGen allele CA184298100.